The following is an entry in ClinVar:

ClinVar aggregate classification (germline): Likely benign. Review status: criteria provided, multiple submitters, no conflicts (2 of 4 stars). 6 submissions from 6 submitters: Likely benign (5). 1 of the submissions does not count toward it. Last evaluated 2026-04-01.

Conditions:
PET100-related disorder. Also called: PET100-related condition.
Mitochondrial complex IV deficiency, nuclear type 12. Also called: Mitochondrial complex 4 deficiency, nuclear type 12. Identifiers: MedGen C5436695, MONDO:0033646, OMIM 619055.

Allele frequency attached by ClinVar (database versions not stated): ExAC 0.00129; 1000 Genomes Project 0.00140; gnomAD 0.00147 and 0.00151; TOPMed 0.00171; 1000 Genomes Project 30x 0.00172; ESP Exome Variant Server 0.00175; gnomAD exomes 0.00175.
gnomAD v4.1: 3,289 of 1,537,196 alleles (0.21%); highest among the groups gnomAD compares: Admixed American, 0.32%; 4 homozygotes.

Submissions (10):

CeGaT Center for Human Genetics Tuebingen
Classification: Likely benign. Last evaluated: 2026-04-01. Review status: criteria provided, single submitter. Criteria: CeGaT Center For Human Genetics Tuebingen Variant Classification Criteria Version 2. Collection method: clinical testing. Allele origin: germline. Affected: yes. Observed: 3 variant alleles.
Comment: PET100: BP4, BS1

Labcorp Genetics (formerly Invitae), Labcorp
Classification: Likely benign. Last evaluated: 2026-01-28. Review status: criteria provided, single submitter. Criteria: Invitae Variant Classification Sherloc (09022015). Collection method: clinical testing. Allele origin: germline.

Blueprint Genetics
Classification: Likely benign. Last evaluated: 2024-11-25. Review status: criteria provided, single submitter. Criteria: ACMG Guidelines, 2015. Collection method: clinical testing. Allele origin: germline.

Revvity Omics, Revvity
Classification: Likely benign for Mitochondrial complex IV deficiency, nuclear type 12. Last evaluated: 2023-11-02. Review status: criteria provided, single submitter. Criteria: ACMG Guidelines, 2015. Collection method: clinical testing. Allele origin: germline.

GeneDx
Classification: Likely benign. Last evaluated: 2021-05-26. Review status: criteria provided, single submitter. Criteria: GeneDx Variant Classification Process June 2021. Collection method: clinical testing. Allele origin: germline. Affected: yes.

PreventionGenetics, part of Exact Sciences
Classification: Benign for PET100-related condition. Last evaluated: 2024-08-30. Review status: no assertion criteria provided. Collection method: clinical testing. Allele origin: germline. Not counted in ClinVar's aggregate classification.
Comment: This variant is classified as benign based on ACMG/AMP sequence variant interpretation guidelines (Richards et al. 2015 PMID: 25741868, with internal and published modifications).

Dr. Peter K. Rogan Lab, Western University
No classification provided (evidence only). Condition: Clear cell carcinoma of kidney. Review status: no classification provided. Collection method: in vitro. Allele origin: not applicable. Functional consequence: retained intron. Not counted in ClinVar's aggregate classification.

Dr. Peter K. Rogan Lab, Western University
No classification provided (evidence only). Condition: Acute myeloid leukemia. Review status: no classification provided. Collection method: in vitro. Allele origin: not applicable. Functional consequence: retained intron. Not counted in ClinVar's aggregate classification.

Dr. Peter K. Rogan Lab, Western University
No classification provided (evidence only). Condition: Uterine corpus endometrial carcinoma. Review status: no classification provided. Collection method: in vitro. Allele origin: not applicable. Functional consequence: retained intron. Not counted in ClinVar's aggregate classification.

Dr. Peter K. Rogan Lab, Western University
No classification provided (evidence only). Condition: Ovarian serous cystadenocarcinoma. Review status: no classification provided. Collection method: in vitro. Allele origin: not applicable. Functional consequence: retained intron. Not counted in ClinVar's aggregate classification.

NM_001171155.2(PET100):c.74A>G (p.Asn25Ser)

Genes: PET100 (PET100 cytochrome c oxidase chaperone; plus strand), STXBP2 (syntaxin binding protein 2; plus strand). Cytogenetic location: 19p13.2.
Variant type: single nucleotide variant.
Coding change: c.74A>G on transcript NM_001171155.2 (MANE Select); coding-DNA position 74, A replaced by G.
Protein change: p.Asn25Ser; replaces asparagine 25 with serine.
Molecular consequence: missense variant. On other transcripts: non-coding transcript variant (1).
Genome position (GRCh38, 1-based): chr19:7,630,619, A>G. VCF-style: chr19-7630619-A-G. GRCh37 (hg19) VCF-style: chr19-7695505-A-G.
Other names: short protein forms N25S.
Identifiers: ClinVar variation 1218913 (VCV001218913.49), dbSNP rs184325854, ClinGen allele CA9142839.